The following is an entry in ClinVar:

ClinVar aggregate classification (germline): Pathogenic (1 of 4 stars; one submission).

Conditions:
Melanoma-pancreatic cancer syndrome. Identifiers: Orphanet 404560, MedGen C1838547, MONDO:0011713, OMIM 606719. Disease mechanism: loss of function.

Submission:

Myriad Genetics, Inc.
Classification: Pathogenic for Melanoma-pancreatic cancer syndrome. Last evaluated: 2025-08-12. Review status: criteria provided, single submitter. Criteria: Myriad Autosomal Dominant, Autosomal Recessive and X-Linked Classification Criteria (2023). Collection method: clinical testing. Allele origin: unknown.
Comment: This variant is considered pathogenic. This variant creates a frameshift predicted to result in premature protein truncation.

NM_058195.4(CDKN2A):c.26_27dup (p.Arg10fs)

Gene: CDKN2A (cyclin dependent kinase inhibitor 2A; minus strand). Cytogenetic location: 9p21.3.
Variant type: Duplication.
Coding change: c.26_27dup on transcript NM_058195.4 (MANE Plus Clinical); coding-DNA positions 26 to 27, 2 bases duplicated (TC; older notation c.26_27dupTC).
Protein change: p.Arg10fs; shifts the reading frame from arginine 10.
Molecular consequence: frameshift variant. On other transcripts: intron variant (1).
Genome position (GRCh38, 1-based): chr9:21,994,305-21,994,306, GA duplicated on the plus strand (TC on the coding strand, the reverse complement: CDKN2A is on the minus strand); duplicating any 2 consecutive bases within chr9:21,994,305-21,994,307 gives the same sequence; the c. name uses the placement nearest the transcript's 3' end. VCF-style (leftmost placement, unchanged base first): chr9-21994304-G-GGA. GRCh37 (hg19) VCF-style: chr9-21994303-G-GGA.
Other names: c.-4+515_-4+516dup (NM_001363763.2); short protein forms R10fs.
Identifiers: ClinVar variation 4294179 (VCV004294179.1).
Genomic context (GRCh38, chr9:21,994,304, plus strand): 5'-GCCGCGGGATGTGAACCACGAAAACCCTCACTCGCGGCGGGCCGCACGCGCGCCGAATCC[G>GGA]GAGGGTCACCAAGAACCTGCGCACCATGTTCTCGCCGCCTCCAGGGCCGAGCTCGGCAGC-3'